The following is an entry in ClinVar:

ClinVar aggregate classification (germline): Uncertain significance (1 of 4 stars; one submission).

Submission:

Labcorp Genetics (formerly Invitae), Labcorp
Classification: Uncertain significance. Last evaluated: 2022-08-09. Review status: criteria provided, single submitter. Criteria: Invitae Variant Classification Sherloc (09022015). Collection method: clinical testing. Allele origin: germline.
Comment: ClinVar contains an entry for this variant (Variation ID: 1478120). This variant has not been reported in the literature in individuals affected with ALPK3-related conditions. This variant is not present in population databases (gnomAD no frequency). This sequence change replaces phenylalanine, which is neutral and non-polar, with valine, which is neutral and non-polar, at codon 615 of the ALPK3 protein (p.Phe615Val). In summary, the available evidence is currently insufficient to determine the role of this variant in disease. Therefore, it has been classified as a Variant of Uncertain Significance. Algorithms developed to predict the effect of missense changes on protein structure and function are either unavailable or do not agree on the potential impact of this missense change (SIFT: "Deleterious"; PolyPhen-2: "Probably Damaging"; Align-GVGD: "Class C0").

NM_020778.5(ALPK3):c.1237T>G (p.Phe413Val)

Gene: ALPK3 (alpha kinase 3; plus strand). Cytogenetic location: 15q25.3.
Variant type: single nucleotide variant.
Coding change: c.1237T>G on transcript NM_020778.5 (MANE Select); coding-DNA position 1237, T replaced by G.
Protein change: p.Phe413Val; replaces phenylalanine 413 with valine.
Molecular consequence: missense variant.
Genome position (GRCh38, 1-based): chr15:84,840,516, T>G. VCF-style: chr15-84840516-T-G. GRCh37 (hg19) VCF-style: chr15-85383747-T-G.
Other names: short protein forms F413V.
Identifiers: ClinVar variation 1478120 (VCV001478120.8), dbSNP rs1596150023, ClinGen allele CA393374971.